The following is an entry in ClinVar:

ClinVar aggregate classification (germline): Uncertain significance (1 of 4 stars; one submission).

Conditions:
Aspartylglucosaminuria (AGU). Also called: AGA DEFICIENCY; GLYCOASPARAGINASE; GLYCOSYLASPARAGINASE DEFICIENCY; Aspartylglucos-aminuria; Aspartylglucos-amidase (AGA) deficiency. Identifiers: Orphanet 93, MedGen C0268225, MONDO:0008830, OMIM 208400, HP:0012068.

Allele frequency attached by ClinVar (database versions not stated): TOPMed below 0.00001.

Submission:

Labcorp Genetics (formerly Invitae), Labcorp
Classification: Uncertain significance for Aspartylglucosaminuria. Last evaluated: 2022-01-13. Review status: criteria provided, single submitter. Criteria: Invitae Variant Classification Sherloc (09022015). Collection method: clinical testing. Allele origin: germline.
Comment: This sequence change replaces serine, which is neutral and polar, with asparagine, which is neutral and polar, at codon 312 of the AGA protein (p.Ser312Asn). This variant is not present in population databases (gnomAD no frequency). This variant has not been reported in the literature in individuals affected with AGA-related conditions. Algorithms developed to predict the effect of missense changes on protein structure and function output the following: SIFT: "Tolerated"; PolyPhen-2: "Benign"; Align-GVGD: "Class C0". The asparagine amino acid residue is found in multiple mammalian species, which suggests that this missense change does not adversely affect protein function. In summary, the available evidence is currently insufficient to determine the role of this variant in disease. Therefore, it has been classified as a Variant of Uncertain Significance.

NM_000027.4(AGA):c.935G>A (p.Ser312Asn)

Gene: AGA (aspartylglucosaminidase; minus strand). Cytogenetic location: 4q34.3.
Variant type: single nucleotide variant.
Coding change: c.935G>A on transcript NM_000027.4 (MANE Select); coding-DNA position 935, G replaced by A.
Protein change: p.Ser312Asn; replaces serine 312 with asparagine.
Molecular consequence: missense variant. On other transcripts: non-coding transcript variant (1).
Genome position (GRCh38, 1-based): chr4:177,433,219, C>T on the plus strand (G>A on the coding strand, the complement: AGA is on the minus strand). VCF-style: chr4-177433219-C-T. GRCh37 (hg19) VCF-style: chr4-178354373-C-T.
Other names: c.905G>A, p.Ser302Asn (NM_001171988.2); short protein forms S302N, S312N.
Identifiers: ClinVar variation 2082325 (VCV002082325.1), dbSNP rs763568779, ClinGen allele CA110786859.
Genomic context (GRCh38, chr4:177,433,219, plus strand): 5'-ATGTTTTAGAAATATTTGGAAGTTCACACAAATACAAAATCCAAACACAACTTACCGTAA[C>T]TTCCAGTCACATTGGCACATATAACAGCCCCAAAGAATTCTGGAAAATGCTTCTGGATTC-3'
Protein context (NP_000018.2, residues 302-322): GAVICANVTG[Ser312Asn]YGAACNKLST